The following is an entry in ClinVar:

NM_004700.4(KCNQ4):c.440A>C (p.Tyr147Ser)

Gene: KCNQ4 (potassium voltage-gated channel subfamily Q member 4; plus strand). Cytogenetic location: 1p34.2.
Variant type: single nucleotide variant.
Coding change: c.440A>C on transcript NM_004700.4 (MANE Select); coding-DNA position 440, A replaced by C.
Protein change: p.Tyr147Ser; replaces tyrosine 147 with serine.
Molecular consequence: missense variant.
Genome position (GRCh38, 1-based): chr1:40,818,198, A>C. VCF-style: chr1-40818198-A-C. GRCh37 (hg19) VCF-style: chr1-41283870-A-C.
Other names: c.440A>C, p.Tyr147Ser (NM_172163.3); short protein forms Y147S.
Identifiers: ClinVar variation 3774976 (VCV003774976.2).
Genomic context (GRCh38, chr1:40,818,198, plus strand): 5'-CAGAACTCAGGCCCCTGGTCCCACAGGAATTCGTGATGATCGTGGTTTTCGGCTTGGAGT[A>C]CATCGTCCGGGTCTGGTCCGCCGGATGCTGCTGCCGCTACCGAGGATGGCAGGGTCGCTT-3'
Protein context (NP_004691.2, residues 137-157): FVMIVVFGLE[Tyr147Ser]IVRVWSAGCC

ClinVar aggregate classification (germline): Uncertain significance. Review status: criteria provided, multiple submitters, no conflicts (2 of 4 stars). 2 submissions from 2 submitters: Uncertain significance (2). Last evaluated 2025-04-30.

Conditions:
KCNQ4-related disorder. Also called: KCNQ4-related condition.

gnomAD v4.1: 1 of 1,614,038 alleles (0.000062%); highest among the groups gnomAD compares: Middle Eastern, 0.016%; no homozygotes.

Submissions (2):

PreventionGenetics, part of Exact Sciences
Classification: Uncertain significance for KCNQ4-related condition. Last evaluated: 2025-04-30. Review status: criteria provided, single submitter. Criteria: ACMG Guidelines, 2015. Collection method: clinical testing. Allele origin: germline.
Comment: The KCNQ4 c.440A>C variant is predicted to result in the amino acid substitution p.Tyr147Ser. To our knowledge, this variant has not been reported in the literature. This variant is reported in 0.0% of alleles in individuals of African descent in gnomAD. At this time, the clinical significance of this variant is uncertain due to the absence of conclusive functional and genetic evidence.

GeneDx
Classification: Uncertain significance. Last evaluated: 2024-09-25. Review status: criteria provided, single submitter. Criteria: GeneDx Variant Classification Process June 2021. Collection method: clinical testing. Allele origin: germline. Affected: yes.
Comment: Not observed at significant frequency in large population cohorts (gnomAD); In silico analysis supports that this missense variant has a deleterious effect on protein structure/function; Has not been previously published as pathogenic or benign to our knowledge